The following is an entry in ClinVar:

ClinVar aggregate classification (germline): Conflicting classifications of pathogenicity. Review status: criteria provided, conflicting classifications (1 of 4 stars). 8 submissions from 7 submitters: Uncertain significance (2); Benign (1); Likely benign (4). 1 of the submissions does not count toward it. Last evaluated 2026-02-01.

Conditions:
Cutis laxa, autosomal dominant 1 (ADCL1). Also called: ELN-Related Cutis Laxa. Identifiers: Orphanet 90348, MedGen C3276539, MONDO:0007411, OMIM 123700. Disease mechanism: Dominant Negative.
ELN-related disorder.
Familial atrioventricular septal defect. Also called: AVC DEFECT. Identifiers: Orphanet 98722, MedGen CN029142, MONDO:0020290.
Supravalvar aortic stenosis (SVAS). Also called: Supravalvar aortic stenosis, Eisenberg type. Identifiers: Orphanet 3193, MedGen C0003499, MONDO:0008504, OMIM 185500, HP:0004381.

Allele frequency attached by ClinVar (database versions not stated): ESP Exome Variant Server 0.00023; TOPMed 0.00042.

Submissions (8):

Labcorp Genetics (formerly Invitae), Labcorp
Classification: Likely benign for Supravalvar aortic stenosis. Last evaluated: 2026-02-01. Review status: criteria provided, single submitter. Criteria: Invitae Variant Classification Sherloc (09022015). Collection method: clinical testing. Allele origin: germline.

CeGaT Center for Human Genetics Tuebingen
Classification: Likely benign. Last evaluated: 2025-07-01. Review status: criteria provided, single submitter. Criteria: CeGaT Center For Human Genetics Tuebingen Variant Classification Criteria Version 2. Collection method: clinical testing. Allele origin: germline. Affected: yes. Observed: 3 variant alleles.
Comment: ELN: BP4, BS1

Blueprint Genetics
Classification: Likely benign. Last evaluated: 2024-09-30. Review status: criteria provided, single submitter. Criteria: ACMG Guidelines, 2015. Collection method: clinical testing. Allele origin: germline.

GeneDx
Classification: Uncertain significance. Last evaluated: 2021-08-18. Review status: criteria provided, single submitter. Criteria: GeneDx Variant Classification Process June 2021. Collection method: clinical testing. Allele origin: germline. Affected: yes.
Comment: Identified independently and in conjunction with additional variants in individuals referred for connective tissue disorder genetic testing at GeneDx; segregation data are limited at this time; In silico analysis supports that this missense variant has a deleterious effect on protein structure/function; This variant is associated with the following publications: (PMID: 28074886)

Clinical Molecular Genetics Laboratory, Johns Hopkins All Children's Hospital
Classification: Uncertain significance for Atrioventricular canal defect. Last evaluated: 2019-12-09. Review status: criteria provided, single submitter. Criteria: ACMG Guidelines, 2015. Collection method: clinical testing. Allele origin: germline. Inheritance: Autosomal dominant inheritance. Affected: yes. Observed: 1 heterozygote.

Illumina Laboratory Services, Illumina
Classification: Likely benign for Supravalvar aortic stenosis. Last evaluated: 2018-01-13. Review status: criteria provided, single submitter. Criteria: ICSL Variant Classification Criteria 13 December 2019. Collection method: clinical testing. Allele origin: germline.
Comment: This variant was observed in the ICSL laboratory as part of a predisposition screen in an ostensibly healthy population. It had not been previously curated by ICSL or reported in the Human Gene Mutation Database (HGMD: prior to June 1st, 2018), and was therefore a candidate for classification through an automated scoring system. Utilizing variant allele frequency, disease prevalence and penetrance estimates, and inheritance mode, an automated score was calculated to assess if this variant is too frequent to cause the disease. Based on the score and internal cut-off values, a variant classified as likely benign is not then subjected to further curation. The score for this variant resulted in a classification of likely benign for this disease.

Illumina Laboratory Services, Illumina
Classification: Benign for Cutis laxa, autosomal dominant 1. Last evaluated: 2018-01-13. Review status: criteria provided, single submitter. Criteria: ICSL Variant Classification Criteria 13 December 2019. Collection method: clinical testing. Allele origin: germline.
Comment: This variant was observed in the ICSL laboratory as part of a predisposition screen in an ostensibly healthy population. It had not been previously curated by ICSL or reported in the Human Gene Mutation Database (HGMD: prior to June 1st, 2018), and was therefore a candidate for classification through an automated scoring system. Utilizing variant allele frequency, disease prevalence and penetrance estimates, and inheritance mode, an automated score was calculated to assess if this variant is too frequent to cause the disease. Based on the score and internal cut-off values, a variant classified as benign is not then subjected to further curation. The score for this variant resulted in a classification of benign for this disease.

PreventionGenetics, part of Exact Sciences
Classification: Likely benign for ELN-related condition. Last evaluated: 2022-02-20. Review status: no assertion criteria provided. Collection method: clinical testing. Allele origin: germline. Not counted in ClinVar's aggregate classification.
Comment: This variant is classified as likely benign based on ACMG/AMP sequence variant interpretation guidelines (Richards et al. 2015 PMID: 25741868, with internal and published modifications).

NM_000501.4(ELN):c.328G>A (p.Ala110Thr)

Gene: ELN (elastin; plus strand). Cytogenetic location: 7q11.23.
Variant type: single nucleotide variant.
Coding change: c.328G>A on transcript NM_000501.4 (MANE Select); coding-DNA position 328, G replaced by A.
Protein change: p.Ala110Thr; replaces alanine 110 with threonine.
Molecular consequence: missense variant.
Genome position (GRCh38, 1-based): chr7:74,042,986, G>A. VCF-style: chr7-74042986-G-A. GRCh37 (hg19) VCF-style: chr7-73457316-G-A.
Other names: c.298G>A, p.Ala100Thr (NM_001081752.3, NM_001278914.2, NM_001278917.2 and 1 more transcripts); c.328G>A, p.Ala110Thr (NM_001081753.3, NM_001081754.3, NM_001081755.3 and 4 more transcripts); c.292G>A, p.Ala98Thr (NM_001278913.2); short protein forms A110T, A100T, A98T.
Identifiers: ClinVar variation 360636 (VCV000360636.59), dbSNP rs137953195, ClinGen allele CA4292446.